The following is an entry in ClinVar:

ClinVar aggregate classification (germline): Benign/Likely benign. Review status: criteria provided, single submitter (1 of 4 stars). 2 submissions from 1 submitter: Benign (1); Likely benign (1). Last evaluated 2018-01-13.

Conditions:
Dilated cardiomyopathy 1U. Identifiers: Orphanet 154, MedGen C3160720, MONDO:0013371, OMIM 613694.
Alzheimer disease 3 (AD3). Also called: ALZHEIMER DISEASE, FAMILIAL, 3. Identifiers: Orphanet 1020, MedGen C1843013, MONDO:0011913, OMIM 607822.

Allele frequency attached by ClinVar (database versions not stated): 1000 Genomes Project 0.00938; TOPMed 0.00962; 1000 Genomes Project 30x 0.00999.

Submissions (2):

Illumina Laboratory Services, Illumina
Classification: Benign for Alzheimer disease 3. Last evaluated: 2018-01-13. Review status: criteria provided, single submitter. Criteria: ICSL Variant Classification Criteria 13 December 2019. Collection method: clinical testing. Allele origin: germline.
Comment: This variant was observed in the ICSL laboratory as part of a predisposition screen in an ostensibly healthy population. It had not been previously curated by ICSL or reported in the Human Gene Mutation Database (HGMD: prior to June 1st, 2018), and was therefore a candidate for classification through an automated scoring system. Utilizing variant allele frequency, disease prevalence and penetrance estimates, and inheritance mode, an automated score was calculated to assess if this variant is too frequent to cause the disease. Based on the score and internal cut-off values, a variant classified as benign is not then subjected to further curation. The score for this variant resulted in a classification of benign for this disease.

Illumina Laboratory Services, Illumina
Classification: Likely benign for Dilated cardiomyopathy 1U. Last evaluated: 2018-01-13. Review status: criteria provided, single submitter. Criteria: ICSL Variant Classification Criteria 13 December 2019. Collection method: clinical testing. Allele origin: germline.
Comment: This variant was observed in the ICSL laboratory as part of a predisposition screen in an ostensibly healthy population. It had not been previously curated by ICSL or reported in the Human Gene Mutation Database (HGMD: prior to June 1st, 2018), and was therefore a candidate for classification through an automated scoring system. Utilizing variant allele frequency, disease prevalence and penetrance estimates, and inheritance mode, an automated score was calculated to assess if this variant is too frequent to cause the disease. Based on the score and internal cut-off values, a variant classified as likely benign is not then subjected to further curation. The score for this variant resulted in a classification of likely benign for this disease.

NM_000021.4(PSEN1):c.*3831C>T

Gene: PSEN1 (presenilin 1; plus strand). Cytogenetic location: 14q24.2.
Variant type: single nucleotide variant.
Coding change: c.*3831C>T on transcript NM_000021.4 (MANE Select); 3831 bases downstream of the stop codon, C replaced by T.
Molecular consequence: 3 prime UTR variant.
Genome position (GRCh38, 1-based): chr14:73,223,120, C>T. VCF-style: chr14-73223120-C-T. GRCh37 (hg19) VCF-style: chr14-73689828-C-T.
Other names: c.*3831C>T (NM_007318.3).
Identifiers: ClinVar variation 884793 (VCV000884793.4), dbSNP rs362395, ClinGen allele CA262622476.
Genomic context (GRCh38, chr14:73,223,120, plus strand): 5'-TTCAGCTCTTCATAGTGCGTTGTGAAATGGCTGGCCAGAGTGTACCAACAAAGCTGTCAT[C>T]GGGCTCACAGCTCAGAGACATCTGCATGTGATCATCTGCATAGTCCTCTCCTCTAACGGG-3'